The following is an entry in ClinVar:

ClinVar aggregate classification (germline): Uncertain significance. Review status: criteria provided, multiple submitters, no conflicts (2 of 4 stars). 2 submissions from 2 submitters: Uncertain significance (2). Last evaluated 2024-07-19.

Conditions:
Autosomal recessive spinocerebellar ataxia 12. Also called: SPINOCEREBELLAR ATAXIA WITH MENTAL RETARDATION AND EPILEPSY. Identifiers: Orphanet 284282, MedGen C3280452, MONDO:0013687, OMIM 614322.
Developmental and epileptic encephalopathy, 1 (DEE1). Also called: X-linked infantile spasms; West's syndrome; Tonic spasms with clustering, arrest of psychomotor development and hypsarrhythmia on EEG; X-Linked Infantile Spasm Syndrome; INFANTILE SPASM SYNDROME, X-LINKED 1; OHTAHARA SYNDROME, X-LINKED. Identifiers: MedGen C3463992, MONDO:0010632, OMIM 308350. Disease mechanism: loss of function.

Allele frequency attached by ClinVar (database versions not stated): ExAC 0.00002; gnomAD 0.00002 and 0.00003; gnomAD exomes 0.00002 and 0.00006; TOPMed 0.00004.
gnomAD v4.1: 48 of 1,614,086 alleles (0.003%); highest among the groups gnomAD compares: Admixed American, 0.02%; no homozygotes.

Submissions (2):

GeneDx
Classification: Uncertain significance. Last evaluated: 2024-07-19. Review status: criteria provided, single submitter. Criteria: GeneDx Variant Classification Process June 2021. Collection method: clinical testing. Allele origin: germline. Affected: yes.
Comment: In silico analysis supports that this missense variant has a deleterious effect on protein structure/function; Has not been previously published as pathogenic or benign to our knowledge

Labcorp Genetics (formerly Invitae), Labcorp
Classification: Uncertain significance for Developmental and epileptic encephalopathy, 1; Autosomal recessive spinocerebellar ataxia 12. Last evaluated: 2022-08-22. Review status: criteria provided, single submitter. Criteria: Invitae Variant Classification Sherloc (09022015). Collection method: clinical testing. Allele origin: germline.
Comment: This sequence change replaces alanine, which is neutral and non-polar, with threonine, which is neutral and polar, at codon 356 of the WWOX protein (p.Ala356Thr). This variant is present in population databases (rs767667847, gnomAD 0.05%). This variant has not been reported in the literature in individuals affected with WWOX-related conditions. ClinVar contains an entry for this variant (Variation ID: 391689). Algorithms developed to predict the effect of missense changes on protein structure and function are either unavailable or do not agree on the potential impact of this missense change (SIFT: "Not Available"; PolyPhen-2: "Possibly Damaging"; Align-GVGD: "Not Available"). In summary, the available evidence is currently insufficient to determine the role of this variant in disease. Therefore, it has been classified as a Variant of Uncertain Significance.

NM_016373.4(WWOX):c.1066G>A (p.Ala356Thr)

Genes: MAF (MAF bZIP transcription factor; minus strand), WWOX (WW domain containing oxidoreductase; plus strand). Cytogenetic location: 16q23.2.
Variant type: single nucleotide variant.
Coding change: c.1066G>A on transcript NM_016373.4 (MANE Select); coding-DNA position 1066, G replaced by A.
Protein change: p.Ala356Thr; replaces alanine 356 with threonine.
Molecular consequence: missense variant.
Genome position (GRCh38, 1-based): chr16:79,211,617, G>A. VCF-style: chr16-79211617-G-A. GRCh37 (hg19) VCF-style: chr16-79245514-G-A.
Other names: c.727G>A, p.Ala243Thr (NM_001291997.2); short protein forms A356T, A243T.
Identifiers: ClinVar variation 391689 (VCV000391689.8), dbSNP rs767667847, ClinGen allele CA8183728.
Genomic context (GRCh38, chr16:79,211,617, plus strand): 5'-CATCACTCCTTTTCTTAAAATTTTTTTTTGTCTTTCTTCTTGGATTTCCAGCAACAGGGA[G>A]CTGCCACCACCGTGTACTGTGCTGCTGTCCCAGAACTGGAGGGTCTGGGAGGGATGTACT-3'
Protein context (NP_057457.1, residues 346-366): RPFTKSMQQG[Ala356Thr]ATTVYCAAVP